The following is an entry in ClinVar:

NM_001004334.4(GPR179):c.2348C>T (p.Pro783Leu)

Gene: GPR179 (G protein-coupled receptor 179; minus strand). Cytogenetic location: 17q12.
Variant type: single nucleotide variant.
Coding change: c.2348C>T on transcript NM_001004334.4 (MANE Select); coding-DNA position 2348, C replaced by T.
Protein change: p.Pro783Leu; replaces proline 783 with leucine.
Molecular consequence: missense variant.
Genome position (GRCh38, 1-based): chr17:38,331,221, G>A on the plus strand (C>T on the coding strand, the complement: GPR179 is on the minus strand). VCF-style: chr17-38331221-G-A. GRCh37 (hg19) VCF-style: chr17-36487104-G-A.
Other names: short protein forms P783L.
Identifiers: ClinVar variation 891077 (VCV000891077.9), dbSNP rs200492514, ClinGen allele CA290105914.

ClinVar aggregate classification (germline): Uncertain significance. Review status: criteria provided, multiple submitters, no conflicts (2 of 4 stars). 3 submissions from 3 submitters: Uncertain significance (3). Last evaluated 2025-03-30.

Conditions:
Congenital stationary night blindness 1E. Also called: Night blindness, congenital stationary (complete), 1E, autosomal recessive. Identifiers: Orphanet 215, MedGen C3281215, MONDO:0013807, OMIM 614565.
Inborn genetic diseases. Identifiers: MedGen C0950123, MeSH D030342.

Allele frequency attached by ClinVar (database versions not stated): gnomAD 0.00003; TOPMed 0.00003; gnomAD exomes 0.00004; ExAC 0.00005; ESP Exome Variant Server 0.00008.

Submissions (3):

Ambry Genetics
Classification: Uncertain significance for Inborn genetic diseases. Last evaluated: 2025-03-30. Review status: criteria provided, single submitter. Criteria: Ambry Variant Classification Scheme 2023. Collection method: clinical testing. Allele origin: germline.

Labcorp Genetics (formerly Invitae), Labcorp
Classification: Uncertain significance. Last evaluated: 2021-09-17. Review status: criteria provided, single submitter. Criteria: Invitae Variant Classification Sherloc (09022015). Collection method: clinical testing. Allele origin: germline.
Comment: This sequence change replaces proline with leucine at codon 783 of the GPR179 protein (p.Pro783Leu). The proline residue is weakly conserved and there is a moderate physicochemical difference between proline and leucine. This variant is present in population databases (rs200492514, ExAC 0.008%). This variant has not been reported in the literature in individuals with GPR179-related conditions. ClinVar contains an entry for this variant (Variation ID: 891077). Algorithms developed to predict the effect of missense changes on protein structure and function output the following: SIFT: "Deleterious"; PolyPhen-2: "Benign"; Align-GVGD: "Class C0". The leucine amino acid residue is found in multiple mammalian species, suggesting that this missense change does not adversely affect protein function. These predictions have not been confirmed by published functional studies and their clinical significance is uncertain. In summary, the available evidence is currently insufficient to determine the role of this variant in disease. Therefore, it has been classified as a Variant of Uncertain Significance.

Illumina Laboratory Services, Illumina
Classification: Uncertain significance for Congenital stationary night blindness 1E. Last evaluated: 2018-03-30. Review status: criteria provided, single submitter. Criteria: ICSL Variant Classification Criteria 13 December 2019. Collection method: clinical testing. Allele origin: germline.